The following is an entry in ClinVar:

ClinVar aggregate classification (germline): Likely benign (0 of 4 stars; one submission).

Conditions:
COL8A2-related disorder. Also called: COL8A2-related condition.

Allele frequency attached by ClinVar (database versions not stated): gnomAD 0.00032; ExAC 0.00039.

Submission:

PreventionGenetics, part of Exact Sciences
Classification: Likely benign for COL8A2-related condition. Last evaluated: 2019-08-13. Review status: no assertion criteria provided. Collection method: clinical testing. Allele origin: germline.
Comment: This variant is classified as likely benign based on ACMG/AMP sequence variant interpretation guidelines (Richards et al. 2015 PMID: 25741868, with internal and published modifications).

NM_005202.4(COL8A2):c.1069G>C (p.Gly357Arg)

Gene: COL8A2 (collagen type VIII alpha 2 chain; minus strand). Cytogenetic location: 1p34.3.
Variant type: single nucleotide variant.
Coding change: c.1069G>C on transcript NM_005202.4 (MANE Select); coding-DNA position 1069, G replaced by C.
Protein change: p.Gly357Arg; replaces glycine 357 with arginine.
Molecular consequence: missense variant.
Genome position (GRCh38, 1-based): chr1:36,098,612, C>G on the plus strand (G>C on the coding strand, the complement: COL8A2 is on the minus strand). VCF-style: chr1-36098612-C-G. GRCh37 (hg19) VCF-style: chr1-36564213-C-G.
Other names: c.874G>C, p.Gly292Arg (NM_001294347.2); short protein forms G292R, G357R.
Identifiers: ClinVar variation 3034551 (VCV003034551.2), dbSNP rs199786966, ClinGen allele CA765004.